The following is an entry in ClinVar:

ClinVar aggregate classification (germline): Likely pathogenic (1 of 4 stars; one submission).

Conditions:
Arginine:glycine amidinotransferase deficiency (CCDS3). Also called: AGAT deficiency; L-Arginine:Glycine Amidinotransferase Deficiency; Creatine deficiency syndrome due to AGAT deficiency; GATM deficiency; L-Arginine:Glycine Amidinotransferase (AGAT) Deficiency; Cerebral creatine deficiency syndrome 3. Identifiers: Orphanet 35704, MedGen C2675179, MONDO:0012996, OMIM 612718.

gnomAD v4.1: 1 of 1,614,064 alleles (0.000062%); highest among the groups gnomAD compares: South Asian, 0.0011%; no homozygotes.

Submission:

Labcorp Genetics (formerly Invitae), Labcorp
Classification: Likely pathogenic for Arginine:glycine amidinotransferase deficiency. Last evaluated: 2024-10-29. Review status: criteria provided, single submitter. Criteria: Invitae Variant Classification Sherloc (09022015). Collection method: clinical testing. Allele origin: germline.
Comment: This sequence change replaces tyrosine, which is neutral and polar, with cysteine, which is neutral and slightly polar, at codon 203 of the GATM protein (p.Tyr203Cys). This variant is not present in population databases (gnomAD no frequency). This variant has not been reported in the literature in individuals affected with GATM-related conditions. Invitae Evidence Modeling of protein sequence and biophysical properties (such as structural, functional, and spatial information, amino acid conservation, physicochemical variation, residue mobility, and thermodynamic stability) indicates that this missense variant is expected to disrupt GATM protein function with a positive predictive value of 95%. This variant disrupts the p.Tyr203 amino acid residue in GATM. Other variant(s) that disrupt this residue have been determined to be pathogenic (PMID: 23770102, 27233232). This suggests that this residue is clinically significant, and that variants that disrupt this residue are likely to be disease-causing. In summary, the currently available evidence indicates that the variant is pathogenic, but additional data are needed to prove that conclusively. Therefore, this variant has been classified as Likely Pathogenic.

Literature cited by the submitters: PubMed 23770102; PubMed 27233232.

NM_001482.3(GATM):c.608A>G (p.Tyr203Cys)

Gene: GATM (glycine amidinotransferase; minus strand). Cytogenetic location: 15q21.1.
Variant type: single nucleotide variant.
Coding change: c.608A>G on transcript NM_001482.3 (MANE Select); coding-DNA position 608, A replaced by G.
Protein change: p.Tyr203Cys; replaces tyrosine 203 with cysteine.
Molecular consequence: missense variant.
Genome position (GRCh38, 1-based): chr15:45,368,137, T>C on the plus strand (A>G on the coding strand, the complement: GATM is on the minus strand). VCF-style: chr15-45368137-T-C. GRCh37 (hg19) VCF-style: chr15-45660335-T-C.
Other names: c.221A>G, p.Tyr74Cys (NM_001321015.2); short protein forms Y203C, Y74C.
Identifiers: ClinVar variation 3716750 (VCV003716750.2).
Genomic context (GRCh38, chr15:45,368,137, plus strand): 5'-TAAAGCTCATCAGCCATTGTGGGCTTAGGAGCTGTTGTCCACTTGGCGCCACGGTGGAAG[T>C]AGTCTTTGATAATTGACCTGTACGCTCGGTACTCAAAGAAGCGTGAACGCCATGCCATGG-3'
Protein context (NP_001473.1, residues 193-213): YRAYRSIIKD[Tyr203Cys]FHRGAKWTTA